The following is an entry in ClinVar:

NM_020435.4(GJC2):c.1111A>T (p.Ser371Cys)

Gene: GJC2 (gap junction protein gamma 2; plus strand). Cytogenetic location: 1q42.13.
Variant type: single nucleotide variant.
Coding change: c.1111A>T on transcript NM_020435.4 (MANE Select); coding-DNA position 1111, A replaced by T.
Protein change: p.Ser371Cys; replaces serine 371 with cysteine.
Molecular consequence: missense variant.
Genome position (GRCh38, 1-based): chr1:228,158,869, A>T. VCF-style: chr1-228158869-A-T. GRCh37 (hg19) VCF-style: chr1-228346570-A-T.
Other names: short protein forms S371C.
Identifiers: ClinVar variation 3667424 (VCV003667424.2).
Genomic context (GRCh38, chr1:228,158,869, plus strand): 5'-GCAAACCTGGCCCTGCAGGCGCTGCGCGACGGGGCAGCGGCTGGGGACCGCGACCGGGAC[A>T]GTTCGCCGTGCGTCGGCCTCCCTGCGGCCTCCCGGGGGCCCCCCAGAGCAGGCGCCCCCG-3'
Protein context (NP_065168.2, residues 361-381): GAAAGDRDRD[Ser371Cys]SPCVGLPAAS

ClinVar aggregate classification (germline): Uncertain significance (1 of 4 stars; one submission).

Conditions:
Spastic paraplegia. Identifiers: MedGen C0037772, HP:0001258.

Submission:

Labcorp Genetics (formerly Invitae), Labcorp
Classification: Uncertain significance for Spastic paraplegia. Last evaluated: 2024-02-25. Review status: criteria provided, single submitter. Criteria: Invitae Variant Classification Sherloc (09022015). Collection method: clinical testing. Allele origin: germline.
Comment: This sequence change replaces serine, which is neutral and polar, with cysteine, which is neutral and slightly polar, at codon 371 of the GJC2 protein (p.Ser371Cys). This variant is present in population databases (no rsID available, gnomAD 0.02%). This variant has not been reported in the literature in individuals affected with GJC2-related conditions. Advanced modeling of protein sequence and biophysical properties (such as structural, functional, and spatial information, amino acid conservation, physicochemical variation, residue mobility, and thermodynamic stability) has been performed at Invitae for this missense variant, however the output from this modeling did not meet the statistical confidence thresholds required to predict the impact of this variant on GJC2 protein function. In summary, the available evidence is currently insufficient to determine the role of this variant in disease. Therefore, it has been classified as a Variant of Uncertain Significance.